The following is an entry in ClinVar:

NM_001376.5(DYNC1H1):c.5884C>T (p.Arg1962Cys)

Gene: DYNC1H1 (dynein cytoplasmic 1 heavy chain 1; plus strand). Cytogenetic location: 14q32.31.
Variant type: single nucleotide variant.
Coding change: c.5884C>T on transcript NM_001376.5 (MANE Select); coding-DNA position 5884, C replaced by T.
Protein change: p.Arg1962Cys; replaces arginine 1962 with cysteine.
Molecular consequence: missense variant.
Genome position (GRCh38, 1-based): chr14:102,008,244, C>T. VCF-style: chr14-102008244-C-T. GRCh37 (hg19) VCF-style: chr14-102474581-C-T.
Other names: short protein forms R1962C.
Identifiers: ClinVar variation 245597 (VCV000245597.18), dbSNP rs879253881, ClinGen allele CA10584465.

ClinVar aggregate classification (germline): Pathogenic. Review status: criteria provided, multiple submitters, no conflicts (2 of 4 stars). 6 submissions from 6 submitters: Pathogenic (5). 1 of the submissions does not count toward it. Last evaluated 2025-11-27.

Conditions:
DYNC1H1-related disorder. Also called: DYNC1H1-related condition; DYNC1H1-related disorders. Identifiers: MedGen CN381529.
Charcot-Marie-Tooth disease axonal type 2O. Also called: CHARCOT-MARIE-TOOTH NEUROPATHY, AXONAL, TYPE 2O; CHARCOT-MARIE-TOOTH DISEASE, AXONAL, AUTOSOMAL DOMINANT, TYPE 2O; Charcot-Marie-Tooth Neuropathy Type 2O; Charcot-Marie-Tooth disease, axonal, type 20. Identifiers: Orphanet 284232, MedGen C3280220, MONDO:0013644, OMIM 614228.
Autosomal dominant childhood-onset proximal spinal muscular atrophy without contractures. Also called: SPINAL MUSCULAR ATROPHY, JUVENILE, PROXIMAL, AUTOSOMAL DOMINANT; KUGELBERG-WELANDER SYNDROME, AUTOSOMAL DOMINANT; Spinal muscular atrophy, lower extremity-predominant 1, AD; SPINAL MUSCULAR ATROPHY, CHILDHOOD, PROXIMAL, AUTOSOMAL DOMINANT. Identifiers: Orphanet 209341, Orphanet 363447, MedGen C5780022, MONDO:0008026, OMIM 158600.
DYNC1H1-related neurodevelopmental disorders.
Cortical dysplasia, complex, with other brain malformations 13. Also called: Intellectual disability, autosomal dominant 13. Identifiers: MedGen C3281202, MONDO:0013805, OMIM 614563.

Submissions (6):

Labcorp Genetics (formerly Invitae), Labcorp
Classification: Pathogenic for Charcot-Marie-Tooth disease axonal type 2O. Last evaluated: 2025-11-27. Review status: criteria provided, single submitter. Criteria: Invitae Variant Classification Sherloc (09022015). Collection method: clinical testing. Allele origin: germline.
Comment: This sequence change replaces arginine, which is basic and polar, with cysteine, which is neutral and slightly polar, at codon 1962 of the DYNC1H1 protein (p.Arg1962Cys). This variant is not present in population databases (gnomAD no frequency). This missense change has been observed in individual(s) with clinical features of autosomal dominant intellectual disability (PMID: 23603762, 29314763, 31618753). In at least one individual the variant was observed to be de novo. ClinVar contains an entry for this variant (Variation ID: 245597). Invitae Evidence Modeling of protein sequence and biophysical properties (such as structural, functional, and spatial information, amino acid conservation, physicochemical variation, residue mobility, and thermodynamic stability) indicates that this missense variant is expected to disrupt DYNC1H1 protein function with a positive predictive value of 95%. Experimental studies have shown that this missense change affects DYNC1H1 function (PMID: 28196890). For these reasons, this variant has been classified as Pathogenic.

Blueprint Genetics
Classification: Pathogenic for DYNC1H1-related disorders. Last evaluated: 2023-03-01. Review status: criteria provided, single submitter. Criteria: ACMG Guidelines, 2015. Collection method: clinical testing. Allele origin: germline. Affected: yes. Observed: 1 variant allele.

GeneDx
Classification: Pathogenic. Last evaluated: 2022-04-27. Review status: criteria provided, single submitter. Criteria: GeneDx Variant Classification Process June 2021. Collection method: clinical testing. Allele origin: germline. Affected: yes.
Comment: Published functional studies demonstrate a damaging effect; the R1962C variant strongly inhibits microtubule gliding as compared to wild-type (Hoang et al., 2017); In silico analysis supports that this missense variant has a deleterious effect on protein structure/function; Not observed at significant frequency in large population cohorts (gnomAD); This variant is associated with the following publications: (PMID: 28196890, 23603762, 29314763, 31618753)

Illumina Laboratory Services, Illumina
Classification: Pathogenic for DYNC1H1-related neurodevelopmental disorders. Last evaluated: 2019-11-18. Review status: criteria provided, single submitter. Criteria: ICSLVariantClassificationCriteria RUGD 01 April 2020. Collection method: clinical testing. Allele origin: unknown.
Comment: The DYNC1H1 c.5884C>T (p. Arg1962Cys) variant is a missense variant that has been reported in three studies, in which it was identified in a heterozygous state in three unrelated individuals affected with a neurodevelopmental disorder. The p.Arg1962Cys variant is located in the first of six ATPases associated with various cellular activities (AAA1) in the motor domain of the dynein cytoplasmic 1 heavy chain 1 protein and is predicted to disrupt ATP hydrolysis via introduction of an ectopic disulfide bond (Marzo et al. 2019). Additionally, in a yeast model, dynein complexes containing the p. Arg1962Cys variant display severely impaired microtubule gliding in vitro and result in abnormal dynein-dynactin mediated spindle dynamics (Hoang et al. 2017; Marzo et al. 2019). Control data are not available for the p.Arg1962Cys variant, which is not reported in the Genome Aggregation Database in a region of good sequence coverage, suggesting that it is a rare variant. Based on the collective evidence and application of the ACMG criteria, the p.Arg1962Cys variant is classified as pathogenic for DYNC1H1-related neurodevelopmental disorders.

Clinical Genetics Service, Universitary Hospital 12 de Octubre
Classification: Pathogenic for Cortical dysplasia, complex, with other brain malformations 13. Review status: criteria provided, single submitter. Criteria: ACMG Guidelines, 2015. Collection method: clinical testing. Allele origin: germline. Affected: yes.

Inherited Neuropathy Consortium Ii, University Of Miami
Classification: Uncertain significance for Charcot-Marie-Tooth disease axonal type 2O. Last evaluated: 2016-01-06. Review status: no assertion criteria provided. Collection method: literature only. Allele origin: germline. Affected: yes. Not counted in ClinVar's aggregate classification.

Literature cited by the submitters: PubMed 23603762 (cited by 3 submitters); PubMed 29314763 (cited by Labcorp Genetics (formerly Invitae), Labcorp and Illumina Laboratory Services, Illumina); PubMed 31618753 (cited by Labcorp Genetics (formerly Invitae), Labcorp); PubMed 28196890 (cited by Labcorp Genetics (formerly Invitae), Labcorp and Illumina Laboratory Services, Illumina); PubMed 30168217 (cited by Illumina Laboratory Services, Illumina); PubMed 31364990 (cited by Illumina Laboratory Services, Illumina).